The following is an entry in ClinVar:

NM_006206.6(PDGFRA):c.366A>T (p.Pro122=)

Gene: PDGFRA (platelet derived growth factor receptor alpha; plus strand). Cytogenetic location: 4q12.
Variant type: single nucleotide variant.
Coding change: c.366A>T on transcript NM_006206.6 (MANE Select); coding-DNA position 366, A replaced by T.
Protein change: p.Pro122=; no amino-acid change (proline 122 retained).
Molecular consequence: synonymous variant.
Genome position (GRCh38, 1-based): chr4:54,261,411, A>T. VCF-style: chr4-54261411-A-T. GRCh37 (hg19) VCF-style: chr4-55127578-A-T.
Other names: c.366A>T, p.Pro122= (NM_001347827.2, NM_001347829.2); c.441A>T, p.Pro147= (NM_001347828.2); c.405A>T, p.Pro135= (NM_001347830.2).
Identifiers: ClinVar variation 2014553 (VCV002014553.6), dbSNP rs2110243783, ClinGen allele CA439285524.

ClinVar aggregate classification (germline): Conflicting classifications of pathogenicity. Review status: criteria provided, conflicting classifications (1 of 4 stars). 2 submissions from 2 submitters: Uncertain significance (1); Likely benign (1). Last evaluated 2025-02-16.

Conditions:
Hereditary cancer-predisposing syndrome. Also called: Tumor predisposition; Hereditary Cancer Syndrome; Hereditary neoplastic syndrome; Neoplastic Syndromes, Hereditary. Identifiers: Orphanet 140162, MedGen C0027672, MeSH D009386, MONDO:0015356.
Gastrointestinal stromal tumor. Also called: Gastrointestinal stroma tumor; Gastrointestinal stromal tumor, somatic. Identifiers: Orphanet 44890, MedGen C0238198, MeSH D046152, MONDO:0011719, OMIM 606764, HP:0100723.

Submissions (2):

Labcorp Genetics (formerly Invitae), Labcorp
Classification: Uncertain significance for Gastrointestinal stromal tumor. Last evaluated: 2025-02-16. Review status: criteria provided, single submitter. Criteria: Invitae Variant Classification Sherloc (09022015). Collection method: clinical testing. Allele origin: germline.
Comment: This sequence change affects codon 122 of the PDGFRA mRNA. It is a 'silent' change, meaning that it does not change the encoded amino acid sequence of the PDGFRA protein. It affects a nucleotide within the consensus splice site. This variant is not present in population databases (gnomAD no frequency). This variant has not been reported in the literature in individuals affected with PDGFRA-related conditions. ClinVar contains an entry for this variant (Variation ID: 2014553). Algorithms developed to predict the effect of sequence changes on RNA splicing suggest that this variant is not likely to affect RNA splicing. In summary, the available evidence is currently insufficient to determine the role of this variant in disease. Therefore, it has been classified as a Variant of Uncertain Significance.

Ambry Genetics
Classification: Likely benign for Hereditary cancer-predisposing syndrome. Last evaluated: 2023-03-25. Review status: criteria provided, single submitter. Criteria: Ambry Variant Classification Scheme 2023. Collection method: clinical testing. Allele origin: germline.